The following is an entry in ClinVar:

ClinVar aggregate classification (germline): Pathogenic/Likely pathogenic. Review status: criteria provided, multiple submitters, no conflicts (2 of 4 stars). 3 submissions from 3 submitters: Pathogenic (1); Likely pathogenic (2). Last evaluated 2026-06-24.

Conditions:
PMM2-congenital disorder of glycosylation. Also called: PHOSPHOMANNOMUTASE 2 DEFICIENCY; CARBOHYDRATE-DEFICIENT GLYCOPROTEIN SYNDROME, TYPE Ia; CDG Ia; Congenital disorder of glycosylation, type Ia; JAEKEN SYNDROME; PMM2-CDG. Identifiers: Orphanet 79318, MedGen C0349653, MONDO:0008907, OMIM 212065.

Allele frequency attached by ClinVar (database versions not stated): gnomAD exomes 0.00001.
gnomAD v4.1: 3 of 1,612,834 alleles (0.00019%); highest among the groups gnomAD compares: Non-Finnish European, 0.00025%; no homozygotes.

Submissions (3):

Myriad Genetics, Inc.
Classification: Likely pathogenic for PMM2-congenital disorder of glycosylation. Last evaluated: 2026-06-24. Review status: criteria provided, single submitter. Criteria: Myriad Autosomal Dominant, Autosomal Recessive and X-Linked Classification Criteria (2023). Collection method: clinical testing. Allele origin: unknown.
Comment: NM_000303.2(PMM2):c.728T>C(L243P) is a missense variant classified as likely pathogenic in the context of congenital disorder of glycosylation, PMM2-related. L243P has been observed in cases with relevant disease (PMID: 29701302, 40121796, 37224763). Relevant functional assessments of this variant are not available in the literature. L243P has not been observed in referenced population frequency databases. In summary, NM_000303.2(PMM2):c.728T>C(L243P) is a missense variant that has been observed more frequently in cases with the relevant disease than in healthy populations. Please note: this variant was assessed in the context of healthy population screening.

Labcorp Genetics (formerly Invitae), Labcorp
Classification: Pathogenic for PMM2-congenital disorder of glycosylation. Last evaluated: 2024-04-08. Review status: criteria provided, single submitter. Criteria: Invitae Variant Classification Sherloc (09022015). Collection method: clinical testing. Allele origin: germline.
Comment: This sequence change replaces leucine, which is neutral and non-polar, with proline, which is neutral and non-polar, at codon 243 of the PMM2 protein (p.Leu243Pro). This variant is not present in population databases (gnomAD no frequency). This missense change has been observed in individual(s) with PMM2-congenital disorder of glycosylation (CDG-Ia) (Invitae). In at least one individual the data is consistent with being in trans (on the opposite chromosome) from a pathogenic variant. ClinVar contains an entry for this variant (Variation ID: 1693586). Advanced modeling of protein sequence and biophysical properties (such as structural, functional, and spatial information, amino acid conservation, physicochemical variation, residue mobility, and thermodynamic stability) performed at Invitae indicates that this missense variant is expected to disrupt PMM2 protein function with a positive predictive value of 95%. For these reasons, this variant has been classified as Pathogenic.

Morava/Kozicz Lab, Department of Clinical Genomics, Mayo Clinic
Classification: Likely pathogenic for PMM2-congenital disorder of glycosylation. Last evaluated: 2022-07-05. Review status: criteria provided, single submitter. Criteria: ACMG Guidelines, 2015. Collection method: clinical testing. Allele origin: inherited. Inheritance: Autosomal recessive inheritance. Affected: yes. Observed: 1 compound heterozygote.
Comment: The variant c.728T>C (p.Leu243Pro) is a missense substitution in exon 8 of8 that results in the alteration of the codon at amino acid position 243. The variant has not been listed in gnomAD or dbSNP. This variant has been previously reported as a disease-causing mutation by the Human Gene Mutation Database (HGMD, CM055486) with association with PMM2-CDG. In addition, the variant has been reported by Haeuptle et al, 2009 in a patient with CDG.

Literature cited by the submitters: PubMed 29701302 (cited by Myriad Genetics, Inc.); PubMed 37224763 (cited by Myriad Genetics, Inc.); PubMed 40121796 (cited by Myriad Genetics, Inc.); PubMed 19862844 (cited by Morava/Kozicz Lab, Department of Clinical Genomics, Mayo Clinic).

NM_000303.3(PMM2):c.728T>C (p.Leu243Pro)

Gene: PMM2 (phosphomannomutase 2; plus strand). Cytogenetic location: 16p13.2.
Variant type: single nucleotide variant.
Coding change: c.728T>C on transcript NM_000303.3 (MANE Select); coding-DNA position 728, T replaced by C.
Protein change: p.Leu243Pro; replaces leucine 243 with proline.
Molecular consequence: missense variant.
Genome position (GRCh38, 1-based): chr16:8,847,812, T>C. VCF-style: chr16-8847812-T-C. GRCh37 (hg19) VCF-style: chr16-8941669-T-C.
Other names: short protein forms L243P.
Identifiers: ClinVar variation 1693586 (VCV001693586.9), dbSNP rs2060937980, ClinGen allele CA394689703.